The following is an entry in ClinVar:

ClinVar aggregate classification (germline): Conflicting classifications of pathogenicity. Review status: criteria provided, conflicting classifications (1 of 4 stars). 3 submissions from 3 submitters: Uncertain significance (2); Likely benign (1). Last evaluated 2025-03-31.

Conditions:
Shprintzen-Goldberg syndrome (SGS). Also called: CRANIOSYNOSTOSIS WITH ARACHNODACTYLY AND ABDOMINAL HERNIAS; Marfanoid disorder with craniosynostosis type 1; Marfanoid craniosynostosis syndrome; Shprintzen-Goldberg marfanoid syndrome; SHPRINTZEN-GOLDBERG CRANIOSYNOSTOSIS SYNDROME. Identifiers: Orphanet 2462, MedGen C1321551, MONDO:0008426, OMIM 182212.

Allele frequency attached by ClinVar (database versions not stated): gnomAD below 0.00001 and 0.00001; gnomAD exomes 0.00003; ExAC 0.00005; TOPMed 0.00002.
gnomAD v4.1: 36 of 1,551,886 alleles (0.0023%); highest among the groups gnomAD compares: South Asian, 0.03%; no homozygotes.

Submissions (3):

Labcorp Genetics (formerly Invitae), Labcorp
Classification: Likely benign for Shprintzen-Goldberg syndrome. Last evaluated: 2025-03-31. Review status: criteria provided, single submitter. Criteria: Invitae Variant Classification Sherloc (09022015). Collection method: clinical testing. Allele origin: germline.

Revvity Omics, Revvity
Classification: Uncertain significance for Shprintzen-Goldberg syndrome. Last evaluated: 2019-03-17. Review status: criteria provided, single submitter. Criteria: ACMG Guidelines, 2015. Collection method: clinical testing. Allele origin: germline.

GeneDx
Classification: Uncertain significance. Last evaluated: 2014-09-11. Review status: criteria provided, single submitter. Criteria: GeneDx Variant Classification (06012015). Collection method: clinical testing. Allele origin: germline. Affected: yes.
Comment: p.Arg519Cys (CGT>TGT): c.1555 C>T in exon 5 of the SKI gene (NM_003036.3) A variant of unknown significance has been identified in the SKI gene. The R519C variant has not been published as a mutation or been reported as a benign polymorphism to our knowledge. The R519C variant was not observed in approximately 6,000 individuals of European and African American ancestry in the NHLBI Exome Sequencing Project, indicating it is not a common benign variant in these populations. Although the R519C variant is a non-conservative amino acid substitution, which is likely to impact secondary protein structure as these residues differ in polarity, charge, size and/or other properties; this substitution occurs at a position that is not conserved across species. In addition, in silico analysis predicts this variant likely does not alter the protein structure/function. Lastly, no missense mutations in nearby residues have been reported in association with Shprintzen-Goldberg syndrome, suggesting this region of the protein may be tolerant of change.Therefore, based on the currently available information, it is unclear whether this variant is a pathogenic mutation or a rare benign variant. This variant was found in TAAD

NM_003036.4(SKI):c.1555C>T (p.Arg519Cys)

Gene: SKI (SKI proto-oncogene; plus strand). Cytogenetic location: 1p36.32.
Variant type: single nucleotide variant.
Coding change: c.1555C>T on transcript NM_003036.4 (MANE Select); coding-DNA position 1555, C replaced by T.
Protein change: p.Arg519Cys; replaces arginine 519 with cysteine.
Molecular consequence: missense variant.
Genome position (GRCh38, 1-based): chr1:2,304,373, C>T. VCF-style: chr1-2304373-C-T. GRCh37 (hg19) VCF-style: chr1-2235812-C-T.
Other names: p.R519C:CGT>TGT; short protein forms R519C.
Identifiers: ClinVar variation 213696 (VCV000213696.13), dbSNP rs775800782, ClinGen allele CA322130.